The following is an entry in ClinVar:

ClinVar aggregate classification (germline): Likely benign. Review status: criteria provided, multiple submitters, no conflicts (2 of 4 stars). 3 submissions from 3 submitters: Likely benign (3). Last evaluated 2026-01-05.

Conditions:
Glycogen storage disease IXa1. Also called: GLYCOGEN STORAGE DISEASE VIII; GSD VIII; Glycogen storage disease 8; LIVER GLYCOGENOSIS, X-LINKED, TYPE I. Identifiers: Orphanet 264580, MedGen C3694531, MONDO:0010598, OMIM 306000.

Allele frequency attached by ClinVar (database versions not stated): ESP Exome Variant Server 0.00009; gnomAD 0.00016 and 0.00018; TOPMed 0.00019; gnomAD exomes 0.00023; ExAC 0.00033.
gnomAD v4.1: 174 of 831,827 alleles (0.021%); highest among the groups gnomAD compares: Non-Finnish European, 0.028%; no homozygotes.

Submissions (3):

Labcorp Genetics (formerly Invitae), Labcorp
Classification: Likely benign for Glycogen storage disease IXa1. Last evaluated: 2026-01-05. Review status: criteria provided, single submitter. Criteria: Invitae Variant Classification Sherloc (09022015). Collection method: clinical testing. Allele origin: germline.

Mayo Clinic Laboratories, Mayo Clinic
Classification: Likely benign. Last evaluated: 2024-12-04. Review status: criteria provided, single submitter. Criteria: ACMG Guidelines, 2015. Collection method: clinical testing. Allele origin: germline. Observed: 1 variant allele.
Comment: BP4, BP7

GeneDx
Classification: Likely benign. Last evaluated: 2017-03-27. Review status: criteria provided, single submitter. Criteria: GeneDx Variant Classification (06012015). Collection method: clinical testing. Allele origin: germline. Affected: yes.
Comment: This variant is considered likely benign or benign based on one or more of the following criteria: it is a conservative change, it occurs at a poorly conserved position in the protein, it is predicted to be benign by multiple in silico algorithms, and/or has population frequency not consistent with disease.

NM_000292.3(PHKA2):c.1794-16G>A

Gene: PHKA2 (phosphorylase kinase regulatory subunit alpha 2; minus strand). Cytogenetic location: Xp22.13.
Variant type: single nucleotide variant.
Coding change: c.1794-16G>A on transcript NM_000292.3 (MANE Select); 16 bases into the intron before coding-DNA position 1794, G replaced by A.
Molecular consequence: intron variant.
Genome position (GRCh38, 1-based): chrX:18,920,217, C>T on the plus strand (G>A on the coding strand, the complement: PHKA2 is on the minus strand). VCF-style: chrX-18920217-C-T. GRCh37 (hg19) VCF-style: chrX-18938335-C-T.
Other names: p.?.
Identifiers: ClinVar variation 507737 (VCV000507737.3), dbSNP rs370310260, ClinGen allele CA10361783.